The following is an entry in ClinVar:

ClinVar aggregate classification (germline): Uncertain significance. Review status: criteria provided, multiple submitters, no conflicts (2 of 4 stars). 3 submissions from 3 submitters: Uncertain significance (2). 1 of the submissions does not count toward it. Last evaluated 2024-03-11.

Conditions:
Inborn genetic diseases. Identifiers: MedGen C0950123, MeSH D030342.
Congenital myasthenic syndrome 11. Also called: Myasthenic syndrome, congenital, 11, associated with acetylcholine receptor deficiency; MYASTHENIC SYNDROME, CONGENITAL, Ie. Identifiers: Orphanet 590, MedGen C4225367, MONDO:0014588, OMIM 616326.
Fetal akinesia deformation sequence 1 (FADS1). Also called: Pena-Shokeir syndrome type I; Fetal akinesia sequence. Identifiers: Orphanet 994, MedGen C1276035, MONDO:0100101, OMIM 208150, HP:0001989.
Congenital myasthenic syndrome (CMS). Also called: Congenital Myasthenic Syndromes. Identifiers: Orphanet 590, MedGen C0751882, MeSH D020294, MONDO:0018940.

Allele frequency attached by ClinVar (database versions not stated): TOPMed below 0.00001; gnomAD 0.00001; gnomAD exomes 0.00003.
gnomAD v4.1: 44 of 1,564,942 alleles (0.0028%); highest among the groups gnomAD compares: East Asian, 0.0047%; no homozygotes.

Submissions (3):

Ambry Genetics
Classification: Uncertain significance for Inborn genetic diseases. Last evaluated: 2024-03-11. Review status: criteria provided, single submitter. Criteria: Ambry Variant Classification Scheme 2023. Collection method: clinical testing. Allele origin: germline.

Labcorp Genetics (formerly Invitae), Labcorp
Classification: Uncertain significance for Congenital myasthenic syndrome 11; Fetal akinesia deformation sequence 1. Last evaluated: 2022-06-20. Review status: criteria provided, single submitter. Criteria: Invitae Variant Classification Sherloc (09022015). Collection method: clinical testing. Allele origin: germline.
Comment: This sequence change replaces arginine, which is basic and polar, with histidine, which is basic and polar, at codon 337 of the RAPSN protein (p.Arg337His). The frequency data for this variant in the population databases is considered unreliable, as metrics indicate poor data quality at this position in the gnomAD database. This variant has not been reported in the literature in individuals affected with RAPSN-related conditions. ClinVar contains an entry for this variant (Variation ID: 858566). Algorithms developed to predict the effect of missense changes on protein structure and function are either unavailable or do not agree on the potential impact of this missense change (SIFT: "Deleterious"; PolyPhen-2: "Benign"; Align-GVGD: "Class C0"). In summary, the available evidence is currently insufficient to determine the role of this variant in disease. Therefore, it has been classified as a Variant of Uncertain Significance.

Natera, Inc.
Classification: Uncertain significance for Congenital myasthenic syndrome. Last evaluated: 2020-12-22. Review status: no assertion criteria provided. Collection method: clinical testing. Allele origin: germline. Not counted in ClinVar's aggregate classification.

NM_005055.5(RAPSN):c.1010G>A (p.Arg337His)

Gene: RAPSN (receptor associated protein of the synapse; minus strand). Cytogenetic location: 11p11.2.
Variant type: single nucleotide variant.
Coding change: c.1010G>A on transcript NM_005055.5 (MANE Select); coding-DNA position 1010, G replaced by A.
Protein change: p.Arg337His; replaces arginine 337 with histidine.
Molecular consequence: missense variant.
Genome position (GRCh38, 1-based): chr11:47,438,888, C>T on the plus strand (G>A on the coding strand, the complement: RAPSN is on the minus strand). VCF-style: chr11-47438888-C-T. GRCh37 (hg19) VCF-style: chr11-47460439-C-T.
Other names: c.833G>A, p.Arg278His (NM_032645.5); short protein forms R278H, R337H.
Identifiers: ClinVar variation 858566 (VCV000858566.6), dbSNP rs768445220, ClinGen allele CA380327815.
Genomic context (GRCh38, chr11:47,438,888, plus strand): 5'-TCCACGCACTCGTGGAACCTCACAACGTGCGCCCGCAGTTCCCGCTGCAGCCCTTTGCTG[C>T]GGTAAATGCTCTCGCTCAGACAGTGCAGCTTGAGCTGGCTCAGCTGGGGCCCGCAGGAGT-3'
Protein context (NP_005046.2, residues 327-347): KLHCLSESIY[Arg337His]SKGLQRELRA